The following is an entry in ClinVar:

NM_000059.4(BRCA2):c.276A>G (p.Gln92=)

Gene: BRCA2 (BRCA2 DNA repair associated; plus strand). Cytogenetic location: 13q13.1.
Variant type: single nucleotide variant.
Coding change: c.276A>G on transcript NM_000059.4 (MANE Select); coding-DNA position 276, A replaced by G.
Protein change: p.Gln92=; no amino-acid change (glutamine 92 retained).
Molecular consequence: synonymous variant.
Genome position (GRCh38, 1-based): chr13:32,319,285, A>G. VCF-style: chr13-32319285-A-G. GRCh37 (hg19) VCF-style: chr13-32893422-A-G.
Identifiers: ClinVar variation 427505 (VCV000427505.8), dbSNP rs771101539, ClinGen allele CA6940335.

ClinVar aggregate classification (germline): Likely benign. Review status: reviewed by expert panel (3 of 4 stars). 3 submissions from 3 submitters: Likely benign (1). 2 of the submissions do not count toward it. Last evaluated 2017-06-29.

Conditions:
Hereditary cancer-predisposing syndrome. Also called: Hereditary neoplastic syndrome; Hereditary Cancer Syndrome; Neoplastic Syndromes, Hereditary; Tumor predisposition. Identifiers: Orphanet 140162, MedGen C0027672, MeSH D009386, MONDO:0015356.
Breast-ovarian cancer, familial, susceptibility to, 2 (BROVCA2). Also called: BRCA2 Hereditary Breast and Ovarian Cancer. Identifiers: Orphanet 145, MedGen C2675520, MONDO:0012933, OMIM 612555. Disease mechanism: loss of function.
Hereditary breast ovarian cancer syndrome. Also called: Hereditary breast and ovarian cancer syndrome; BRCA1- and BRCA2-Associated Hereditary Breast and Ovarian Cancer; Hereditary breast and/or ovarian cancer syndrome; Hereditary breast and ovarian cancer; Breast and ovarian cancer; Hereditary breast and ovarian cancer syndrome (HBOC). Identifiers: Orphanet 145, MedGen C0677776, MeSH D061325, MONDO:0003582. Disease mechanism: loss of function.

Allele frequency attached by ClinVar (database versions not stated): gnomAD exomes below 0.00001; ExAC 0.00001; gnomAD 0.00001.
gnomAD v4.1: 3 of 1,613,824 alleles (0.00019%); highest among the groups gnomAD compares: South Asian, 0.0011%; no homozygotes.

Submissions (3):

Evidence-based Network for the Interpretation of Germline Mutant Alleles (ENIGMA)
Classification: Likely benign for Breast-ovarian cancer, familial, susceptibility to, 2. Last evaluated: 2017-06-29. Review status: reviewed by expert panel. Criteria: ENIGMA BRCA1/2 Classification Criteria (2017-06-29). Collection method: curation. Allele origin: germline.
Comment: Synonymous substitution variant, with low bioinformatic likelihood to result in a splicing aberration (Splicing prior probability 0.02).

Labcorp Genetics (formerly Invitae), Labcorp
Classification: Likely benign for Hereditary breast ovarian cancer syndrome. Last evaluated: 2022-12-22. Review status: criteria provided, single submitter. Criteria: Invitae Variant Classification Sherloc (09022015). Collection method: clinical testing. Allele origin: germline. Not counted in ClinVar's aggregate classification.

Ambry Genetics
Classification: Likely benign for Hereditary cancer-predisposing syndrome. Last evaluated: 2021-11-21. Review status: criteria provided, single submitter. Criteria: Ambry Variant Classification Scheme 2023. Collection method: clinical testing. Allele origin: germline. Not counted in ClinVar's aggregate classification.